The following is an entry in ClinVar:

ClinVar aggregate classification (germline): Pathogenic. Review status: criteria provided, multiple submitters, no conflicts (2 of 4 stars). 2 submissions from 2 submitters: Pathogenic (2). Last evaluated 2026-06-18.

Conditions:
Hereditary cancer-predisposing syndrome. Also called: Hereditary neoplastic syndrome; Neoplastic Syndromes, Hereditary; Hereditary Cancer Syndrome; Tumor predisposition. Identifiers: Orphanet 140162, MedGen C0027672, MeSH D009386, MONDO:0015356.
Familial cancer of breast. Also called: hereditary breast carcinoma; BREAST CANCER, FAMILIAL; Hereditary breast cancer. Identifiers: Orphanet 227535, MedGen C0346153, MONDO:0016419, OMIM 114480. Disease mechanism: loss of function.

Submissions (2):

Myriad Genetics, Inc.
Classification: Pathogenic for Familial cancer of breast. Last evaluated: 2026-06-18. Review status: criteria provided, single submitter. Criteria: Myriad Autosomal Dominant, Autosomal Recessive and X-Linked Classification Criteria (2023). Collection method: clinical testing. Allele origin: unknown.
Comment: This variant is considered pathogenic. This variant creates a frameshift predicted to result in premature protein truncation.

Ambry Genetics
Classification: Pathogenic for Hereditary cancer-predisposing syndrome. Last evaluated: 2023-07-03. Review status: criteria provided, single submitter. Criteria: Ambry General Variant Classification Scheme_2022. Collection method: clinical testing. Allele origin: germline.
Comment: The c.2482_2504del23ins10 pathogenic mutation, located in coding exon 5 of the PALB2 gene, results from the deletion of 23 nucleotides and insertion of 10 nucleotides causing a translational frameshift with a predicted alternate stop codon (p.C828Kfs*19). This alteration is expected to result in loss of function by premature protein truncation or nonsense-mediated mRNA decay. As such, this alteration is interpreted as a disease-causing mutation.

NM_024675.4(PALB2):c.2482_2504delinsAAGGTACAAT (p.Cys828fs)

Gene: PALB2 (partner and localizer of BRCA2; minus strand). Cytogenetic location: 16p12.2.
Variant type: Indel.
Coding change: c.2482_2504delinsAAGGTACAAT on transcript NM_024675.4 (MANE Select); coding-DNA positions 2482 to 2504, TGCCAGGAGCTGCATAAACATTC replaced by AAGGTACAAT.
Protein change: p.Cys828fs; shifts the reading frame from cysteine 828.
Molecular consequence: frameshift variant.
Genome position (GRCh38, 1-based): chr16:23,629,650-23,629,672, GAATGTTTATGCAGCTCCTGGCA replaced by ATTGTACCTT on the plus strand (TGCCAGGAGCTGCATAAACATTC replaced by AAGGTACAAT on the coding strand, the reverse complement: PALB2 is on the minus strand). GRCh37 (hg19): chr16:23,640,971-23,640,993.
Other names: c.2482_2504del23insAAGGTACAAT (NM_024675.3); short protein forms C828fs.
Identifiers: ClinVar variation 230056 (VCV000230056.5), dbSNP rs876658358, ClinGen allele CA10579965.